The following is an entry in ClinVar:

NM_001001671.4(MAP3K15):c.552C>T (p.Ile184=)

Gene: MAP3K15 (mitogen-activated protein kinase kinase kinase 15; minus strand). Cytogenetic location: Xp22.12.
Variant type: single nucleotide variant.
Coding change: c.552C>T on transcript NM_001001671.4 (MANE Select); coding-DNA position 552, C replaced by T.
Protein change: p.Ile184=; no amino-acid change (isoleucine 184 retained).
Molecular consequence: synonymous variant.
Genome position (GRCh38, 1-based): chrX:19,464,380, G>A on the plus strand (C>T on the coding strand, the complement: MAP3K15 is on the minus strand). VCF-style: chrX-19464380-G-A. GRCh37 (hg19) VCF-style: chrX-19482498-G-A.
Identifiers: ClinVar variation 3035889 (VCV003035889.2), dbSNP rs5955788, ClinGen allele CA10364305.

ClinVar aggregate classification (germline): Likely benign (0 of 4 stars; one submission).

Conditions:
MAP3K15-related disorder. Also called: MAP3K15-related condition.

Allele frequency attached by ClinVar (database versions not stated): 1000 Genomes Project 0.00079; ESP Exome Variant Server 0.00098; 1000 Genomes Project 30x 0.00104; gnomAD 0.00124; TOPMed 0.00170.
gnomAD v4.1: 291 of 1,186,217 alleles (0.025%); highest among the groups gnomAD compares: African/African-American, 0.46%; 1 homozygote.

Submission:

PreventionGenetics, part of Exact Sciences
Classification: Likely benign for MAP3K15-related condition. Last evaluated: 2019-08-13. Review status: no assertion criteria provided. Collection method: clinical testing. Allele origin: germline.
Comment: This variant is classified as likely benign based on ACMG/AMP sequence variant interpretation guidelines (Richards et al. 2015 PMID: 25741868, with internal and published modifications).